The following is an entry in ClinVar:

NM_000138.5(FBN1):c.8226+5del

Gene: FBN1 (fibrillin 1; minus strand). Cytogenetic location: 15q21.1.
Variant type: Deletion.
Coding change: c.8226+5del on transcript NM_000138.5 (MANE Select); 5 bases into the intron after coding-DNA position 8226, one base deleted (G; older notation c.8226+5delG).
Molecular consequence: intron variant.
Genome position (GRCh38, 1-based): chr15:48,412,564, C deleted on the plus strand (G on the coding strand, the reverse complement: FBN1 is on the minus strand); the first of 3 consecutive C bases (chr15:48,412,564-48,412,566); deleting any one gives the same sequence. VCF-style (leftmost placement, unchanged base first): chr15-48412563-AC-A. GRCh37 (hg19) VCF-style: chr15-48704760-AC-A.
Other names: c.8226+5del (NM_001406716.1).
Identifiers: ClinVar variation 3382868 (VCV003382868.2).

ClinVar aggregate classification (germline): Uncertain significance (1 of 4 stars; one submission).

Conditions:
Geleophysic dysplasia 2 (GPHYSD2). Identifiers: Orphanet 2623, MedGen C3280054, MONDO:0013612, OMIM 614185.
Marfan syndrome (MFS). Also called: MARFAN SYNDROME, TYPE I; Marfan syndrome type 1; Marfan's syndrome; FBN1-Related Marfan Syndrome; Marfan syndrome, classic. Identifiers: Orphanet 284963, Orphanet 558, MedGen C0024796, MONDO:0007947, OMIM 154700.
Ectopia lentis 1, isolated, autosomal dominant (ECTOL1). Identifiers: Orphanet 1885, MedGen C3541518, MONDO:0007514, OMIM 129600.
Stiff skin syndrome (SSKS). Identifiers: Orphanet 2833, MedGen C1861456, MONDO:0008492, OMIM 184900.
Acromicric dysplasia (ACMICD). Also called: Acromicric skeletal dysplasia. Identifiers: Orphanet 969, MedGen C0265287, MONDO:0007055, OMIM 102370.
Progeroid and marfanoid aspect-lipodystrophy syndrome. Also called: MARFANOID-PROGEROID SYNDROME; MARFAN-PROGEROID-LIPODYSTROPHY SYNDROME; Marfan lipodystrophy syndrome; MARFANOID-PROGEROID-LIPODYSTROPHY SYNDROME. Identifiers: Orphanet 300382, MedGen C4310796, MONDO:0014831, OMIM 616914.
MASS syndrome (OCTD). Also called: MASS PHENOTYPE; OVERLAP CONNECTIVE TISSUE DISEASE. Identifiers: MedGen C1858556, MONDO:0011431, OMIM 604308.
Weill-Marchesani syndrome 2, dominant. Also called: Weill-Marchesani Syndrome, Autosomal Dominant; FBN1-Related Weill-Marchesani Syndrome. Identifiers: Orphanet 2084, MedGen C1869115, MONDO:0012013, OMIM 608328.

Submission:

Juno Genomics, Hangzhou Juno Genomics, Inc
Classification: Uncertain significance for Acromicric dysplasia; Ectopia lentis 1, isolated, autosomal dominant; Geleophysic dysplasia 2; MASS syndrome; Progeroid and marfanoid aspect-lipodystrophy syndrome; Marfan syndrome; Stiff skin syndrome; Weill-Marchesani syndrome 2, dominant. Review status: criteria provided, single submitter. Criteria: ACMG Guidelines, 2015. Collection method: clinical testing. Allele origin: germline. Affected: yes.
Comment: Absent from controls (or at extremely low frequency if recessive) in Genome Aggregation Database, Exome Sequencing Project, 1000 Genomes Project, or Exome Aggregation Consortium.